The following is an entry in ClinVar:

ClinVar aggregate classification (germline): Uncertain significance. Review status: criteria provided, multiple submitters, no conflicts (2 of 4 stars). 2 submissions from 2 submitters: Uncertain significance (2). Last evaluated 2024-12-23.

Conditions:
Laron-type isolated somatotropin defect. Also called: Laron Syndrome; Growth hormone binding protein deficiency or dysfunction; Growth hormone receptor deficiency or dysfunction; Laron dwarfism; Laron type pituitary dwarfism I; GROWTH HORMONE RECEPTOR DEFICIENCY. Identifiers: Orphanet 633, MedGen C0271568, MONDO:0009877, OMIM 262500.

Allele frequency attached by ClinVar (database versions not stated): ExAC 0.00012; 1000 Genomes Project 30x 0.00016; 1000 Genomes Project 0.00020.

Submissions (2):

Labcorp Genetics (formerly Invitae), Labcorp
Classification: Uncertain significance. Last evaluated: 2024-12-23. Review status: criteria provided, single submitter. Criteria: Invitae Variant Classification Sherloc (09022015). Collection method: clinical testing. Allele origin: germline.
Comment: This sequence change replaces tyrosine, which is neutral and polar, with cysteine, which is neutral and slightly polar, at codon 248 of the GHR protein (p.Tyr248Cys). This variant is present in population databases (rs557134454, gnomAD 0.06%). This variant has not been reported in the literature in individuals affected with GHR-related conditions. ClinVar contains an entry for this variant (Variation ID: 907709). An algorithm developed to predict the effect of missense changes on protein structure and function outputs the following: PolyPhen-2: "Possibly Damaging". The cysteine amino acid residue is found in multiple mammalian species, which suggests that this missense change does not adversely affect protein function. In summary, the available evidence is currently insufficient to determine the role of this variant in disease. Therefore, it has been classified as a Variant of Uncertain Significance.

Illumina Laboratory Services, Illumina
Classification: Uncertain significance for Laron-type isolated somatotropin defect. Last evaluated: 2018-01-12. Review status: criteria provided, single submitter. Criteria: ICSL Variant Classification Criteria 13 December 2019. Collection method: clinical testing. Allele origin: germline.

NM_000163.5(GHR):c.743A>G (p.Tyr248Cys)

Gene: GHR (growth hormone receptor; plus strand). Cytogenetic location: 5p12.
Variant type: single nucleotide variant.
Coding change: c.743A>G on transcript NM_000163.5 (MANE Select); coding-DNA position 743, A replaced by G.
Protein change: p.Tyr248Cys; replaces tyrosine 248 with cysteine.
Molecular consequence: missense variant.
Genome position (GRCh38, 1-based): chr5:42,711,331, A>G. VCF-style: chr5-42711331-A-G. GRCh37 (hg19) VCF-style: chr5-42711433-A-G.
Other names: c.764A>G, p.Tyr255Cys (NM_001242399.2); c.743A>G, p.Tyr248Cys (NM_001242400.2, NM_001242401.4, NM_001242402.2 and 5 more transcripts); c.677A>G, p.Tyr226Cys (NM_001242460.2); short protein forms Y226C, Y248C, Y255C.
Identifiers: ClinVar variation 907709 (VCV000907709.6), dbSNP rs557134454, ClinGen allele CA3254483.
Genomic context (GRCh38, chr5:42,711,331, plus strand): 5'-TGCGTGTGAGATCCAAACAACGAAACTCTGGAAATTATGGCGAGTTCAGTGAGGTGCTCT[A>G]TGTAACACTTCCTCAGATGAGCCAATTTACATGTGAAGAAGGTAAAAGAAATAAAAGATT-3'
Protein context (NP_000154.1, residues 238-258): GNYGEFSEVL[Tyr248Cys]VTLPQMSQFT